The following is an entry in ClinVar:

NM_002471.4(MYH6):c.2628G>A (p.Glu876=)

Gene: MYH6 (myosin heavy chain 6; minus strand). Cytogenetic location: 14q11.2.
Variant type: single nucleotide variant.
Coding change: c.2628G>A on transcript NM_002471.4 (MANE Select); coding-DNA position 2628, G replaced by A.
Protein change: p.Glu876=; no amino-acid change (glutamic acid 876 retained).
Molecular consequence: synonymous variant.
Genome position (GRCh38, 1-based): chr14:23,394,125, C>T on the plus strand (G>A on the coding strand, the complement: MYH6 is on the minus strand). VCF-style: chr14-23394125-C-T. GRCh37 (hg19) VCF-style: chr14-23863334-C-T.
Identifiers: ClinVar variation 4754357 (VCV004754357.3).

ClinVar aggregate classification (germline): Likely benign. Review status: criteria provided, multiple submitters, no conflicts (2 of 4 stars). 3 submissions from 3 submitters: Likely benign (3). Last evaluated 2025-12-13.

Conditions:
MYH6-related disorder. Also called: MYH6-related condition; MYH6-Related Disorders.
Hypertrophic cardiomyopathy 14. Identifiers: MedGen C2750467, MONDO:0013197, OMIM 613251.

gnomAD v4.1: 2 of 1,614,210 alleles (0.00012%); highest among the groups gnomAD compares: Admixed American, 0.0017%; no homozygotes.

Submissions (3):

Labcorp Genetics (formerly Invitae), Labcorp
Classification: Likely benign for Hypertrophic cardiomyopathy 14. Last evaluated: 2025-12-13. Review status: criteria provided, single submitter. Criteria: Invitae Variant Classification Sherloc (09022015). Collection method: clinical testing. Allele origin: germline.

PreventionGenetics, part of Exact Sciences
Classification: Likely benign for MYH6-related condition. Last evaluated: 2025-04-30. Review status: criteria provided, single submitter. Criteria: ACMG Guidelines, 2015. Collection method: clinical testing. Allele origin: germline.
Comment: This variant is classified as likely benign based on ACMG/AMP sequence variant interpretation guidelines (Richards et al. 2015 PMID: 25741868, with internal and published modifications).

Blueprint Genetics
Classification: Likely benign. Last evaluated: 2020-12-14. Review status: criteria provided, single submitter. Criteria: ACMG Guidelines, 2015. Collection method: clinical testing. Allele origin: germline.